The following is an entry in ClinVar:

NM_013266.4(CTNNA3):c.779A>G (p.Gln260Arg)

Gene: CTNNA3 (catenin alpha 3; minus strand). Cytogenetic location: 10q21.3.
Variant type: single nucleotide variant.
Coding change: c.779A>G on transcript NM_013266.4 (MANE Select); coding-DNA position 779, A replaced by G.
Protein change: p.Gln260Arg; replaces glutamine 260 with arginine.
Molecular consequence: missense variant.
Genome position (GRCh38, 1-based): chr10:67,219,671, T>C on the plus strand (A>G on the coding strand, the complement: CTNNA3 is on the minus strand). VCF-style: chr10-67219671-T-C. GRCh37 (hg19) VCF-style: chr10-68979429-T-C.
Other names: c.779A>G, p.Gln260Arg (NM_001127384.3); c.815A>G, p.Gln272Arg (NM_001291133.2); c.779A>G (NM_013266.2); short protein forms Q260R, Q272R.
Identifiers: ClinVar variation 474826 (VCV000474826.25), dbSNP rs190073606, ClinGen allele CA5520502.
Genomic context (GRCh38, chr10:67,219,671, plus strand): 5'-AGCTCATCAAGGGCACTTCCCAGGGTTGCTGCCTGAGGTTCTGGTGGGGTTGTCATATTC[T>C]GGATCCCTTGTGAAGCATTTGAAATTACATTGAGAGCATTCTGAATTTCTTCACAAACTG-3'
Protein context (NP_037398.2, residues 250-270): NVISNASQGI[Gln260Arg]NMTTPPEPQA

ClinVar aggregate classification (germline): Conflicting classifications of pathogenicity. Review status: criteria provided, conflicting classifications (1 of 4 stars). 7 submissions from 7 submitters: Uncertain significance (1); Benign (1); Likely benign (5). Last evaluated 2026-01-27.

Conditions:
Arrhythmogenic right ventricular dysplasia 13. Also called: Arrhythmogenic right ventricular dysplasia, familial, 13; ARRHYTHMOGENIC RIGHT VENTRICULAR CARDIOMYOPATHY 13. Identifiers: MedGen C3810138, MONDO:0000908, OMIM 615616.

Allele frequency attached by ClinVar (database versions not stated): gnomAD exomes 0.00015 and 0.00082; gnomAD 0.00022 and 0.00027; TOPMed 0.00030; ExAC 0.00070; 1000 Genomes Project 30x 0.00156; 1000 Genomes Project 0.00160.
gnomAD v4.1: 278 of 1,614,192 alleles (0.017%); highest among the groups gnomAD compares: East Asian, 0.47%; 1 homozygote.

Submissions (7):

Labcorp Genetics (formerly Invitae), Labcorp
Classification: Benign for Arrhythmogenic right ventricular dysplasia 13. Last evaluated: 2026-01-27. Review status: criteria provided, single submitter. Criteria: Invitae Variant Classification Sherloc (09022015). Collection method: clinical testing. Allele origin: germline.

CeGaT Center for Human Genetics Tuebingen
Classification: Likely benign. Last evaluated: 2025-11-01. Review status: criteria provided, single submitter. Criteria: CeGaT Center For Human Genetics Tuebingen Variant Classification Criteria Version 2. Collection method: clinical testing. Allele origin: germline. Affected: yes. Observed: 1 variant allele.
Comment: CTNNA3: BP4

Ambry Genetics
Classification: Uncertain significance. Last evaluated: 2025-01-31. Review status: criteria provided, single submitter. Criteria: Ambry Variant Classification Scheme 2023. Collection method: clinical testing. Allele origin: germline.
Comment: The p.Q260R variant (also known as c.779A>G), located in coding exon 5 of the CTNNA3 gene, results from an A to G substitution at nucleotide position 779. The glutamine at codon 260 is replaced by arginine, an amino acid with highly similar properties. This amino acid position is conserved. In addition, this alteration is predicted to be tolerated by in silico analysis. Since supporting evidence is limited at this time, the clinical significance of this alteration remains unclear.

Blueprint Genetics
Classification: Likely benign. Last evaluated: 2024-10-22. Review status: criteria provided, single submitter. Criteria: ACMG Guidelines, 2015. Collection method: clinical testing. Allele origin: germline.

Women's Health and Genetics/Laboratory Corporation of America, LabCorp
Classification: Likely benign. Last evaluated: 2024-07-15. Review status: criteria provided, single submitter. Criteria: LabCorp Variant Classification Summary - May 2015. Collection method: clinical testing. Allele origin: germline.

Fulgent Genetics
Classification: Likely benign for Arrhythmogenic right ventricular dysplasia 13. Last evaluated: 2021-08-13. Review status: criteria provided, single submitter. Criteria: ACMG Guidelines, 2015. Collection method: clinical testing. Allele origin: unknown.

GeneDx
Classification: Likely benign. Last evaluated: 2020-12-03. Review status: criteria provided, single submitter. Criteria: GeneDx Variant Classification Process June 2021. Collection method: clinical testing. Allele origin: germline. Affected: yes.